The following is an entry in ClinVar:

NM_001032283.3(TMPO):c.565+1683T>C

Gene: TMPO (thymopoietin; plus strand). Cytogenetic location: 12q23.1.
Variant type: single nucleotide variant.
Coding change: c.565+1683T>C on transcript NM_001032283.3 (MANE Select); 1683 bases into the intron after coding-DNA position 565, T replaced by C.
Molecular consequence: intron variant. On other transcripts: missense variant (1).
Genome position (GRCh38, 1-based): chr12:98,533,521, T>C. VCF-style: chr12-98533521-T-C. GRCh37 (hg19) VCF-style: chr12-98927299-T-C.
Other names: c.1264T>C, p.Phe422Leu (NM_003276.2); c.565+1683T>C (NM_001307975.2, NM_001032284.3); short protein forms F422L.
Identifiers: ClinVar variation 3458748 (VCV003458748.1).

ClinVar aggregate classification (germline): Uncertain significance (1 of 4 stars; one submission).

gnomAD v4.1: 5 of 1,614,166 alleles (0.00031%); highest among the groups gnomAD compares: South Asian, 0.0055%; no homozygotes.

Submission:

Ambry Genetics
Classification: Uncertain significance. Last evaluated: 2024-07-07. Review status: criteria provided, single submitter. Criteria: Ambry Variant Classification Scheme 2023. Collection method: clinical testing. Allele origin: germline.
Comment: The p.F422L variant (also known as c.1264T>C), located in coding exon 4 of the TMPO gene, results from a T to C substitution at nucleotide position 1264. The phenylalanine at codon 422 is replaced by leucine, an amino acid with highly similar properties. This amino acid position is conserved. In addition, this alteration is predicted to be tolerated by in silico analysis. Based on the available evidence, the clinical significance of this variant remains unclear.